The following is an entry in ClinVar:

NC_000022.11:g.40346438G>C

Gene: ADSL (adenylosuccinate lyase; plus strand). Cytogenetic location: 22q13.1.
Variant type: single nucleotide variant.
Genome position: GRCh38 VCF-style: chr22-40346438-G-C. GRCh37 (hg19) VCF-style: chr22-40742442-G-C.
Identifiers: ClinVar variation 1504528 (VCV001504528.4), dbSNP rs1286138763, ClinGen allele CA753180097.

ClinVar aggregate classification (germline): Uncertain significance (1 of 4 stars; one submission).

Conditions:
Adenylosuccinate lyase deficiency (ADSLD). Also called: ADSL DEFICIENCY. Identifiers: Orphanet 46, MedGen C0268126, MONDO:0007068, OMIM 103050.

Allele frequency attached by ClinVar (database versions not stated): TOPMed 0.00002.

Submission:

Labcorp Genetics (formerly Invitae), Labcorp
Classification: Uncertain significance for Adenylosuccinate lyase deficiency. Last evaluated: 2022-08-16. Review status: criteria provided, single submitter. Criteria: Invitae Variant Classification Sherloc (09022015). Collection method: clinical testing. Allele origin: germline.
Comment: This variant occurs in a non-coding region of the ADSL gene. It does not change the encoded amino acid sequence of the ADSL protein. This variant is not present in population databases (gnomAD no frequency). This variant has not been reported in the literature in individuals affected with ADSL-related conditions. Experimental studies and prediction algorithms are not available or were not evaluated, and the functional significance of this variant is currently unknown. In summary, the available evidence is currently insufficient to determine the role of this variant in disease. Therefore, it has been classified as a Variant of Uncertain Significance.